The following is an entry in ClinVar:

NM_001042517.2(DIAPH3):c.1808G>A (p.Arg603Gln)

Gene: DIAPH3 (diaphanous related formin 3; minus strand). Cytogenetic location: 13q21.2.
Variant type: single nucleotide variant.
Coding change: c.1808G>A on transcript NM_001042517.2 (MANE Select); coding-DNA position 1808, G replaced by A.
Protein change: p.Arg603Gln; replaces arginine 603 with glutamine.
Molecular consequence: missense variant.
Genome position (GRCh38, 1-based): chr13:59,971,003, C>T on the plus strand (G>A on the coding strand, the complement: DIAPH3 is on the minus strand). VCF-style: chr13-59971003-C-T. GRCh37 (hg19) VCF-style: chr13-60545137-C-T.
Other names: c.1775G>A, p.Arg592Gln (NM_001258366.2); c.1670G>A, p.Arg557Gln (NM_001258367.2); c.1598G>A, p.Arg533Gln (NM_001258368.2); c.1808G>A, p.Arg603Gln (NM_001258369.2); c.1019G>A, p.Arg340Gln (NM_001258370.2, NM_030932.4); short protein forms R340Q, R533Q, R557Q, R592Q, R603Q.
Identifiers: ClinVar variation 1187982 (VCV001187982.12), dbSNP rs200231889, ClinGen allele CA6996570.

ClinVar aggregate classification (germline): Conflicting classifications of pathogenicity. Review status: criteria provided, conflicting classifications (1 of 4 stars). 5 submissions from 5 submitters: Uncertain significance (3); Likely benign (2). Last evaluated 2026-04-23.

Conditions:
DIAPH3-related disorder. Also called: DIAPH3-related condition.

Allele frequency attached by ClinVar (database versions not stated): ExAC 0.00019; 1000 Genomes Project 0.00020; gnomAD exomes 0.00023; TOPMed 0.00026; gnomAD 0.00027 and 0.00028; 1000 Genomes Project 30x 0.00031; ESP Exome Variant Server 0.00057.
gnomAD v4.1: 541 of 1,613,576 alleles (0.034%); highest among the groups gnomAD compares: Non-Finnish European, 0.043%; 2 homozygotes.

Submissions (5):

PreventionGenetics, part of Exact Sciences
Classification: Uncertain significance for DIAPH3-related condition. Last evaluated: 2026-04-23. Review status: criteria provided, single submitter. Criteria: ACMG Guidelines, 2015. Collection method: clinical testing. Allele origin: germline.
Comment: The DIAPH3 c.1808G>A variant is predicted to result in the amino acid substitution p.Arg603Gln. To our knowledge, this variant has not been reported in the literature. This variant is reported in 0.044% of alleles in individuals of European (Non-Finnish) descent in gnomAD. Although we suspect that this variant may be benign, at this time, the clinical significance of this variant is uncertain due to the absence of conclusive functional and genetic evidence.

Labcorp Genetics (formerly Invitae), Labcorp
Classification: Uncertain significance. Last evaluated: 2025-06-04. Review status: criteria provided, single submitter. Criteria: Invitae Variant Classification Sherloc (09022015). Collection method: clinical testing. Allele origin: germline.
Comment: This sequence change replaces arginine, which is basic and polar, with glutamine, which is neutral and polar, at codon 603 of the DIAPH3 protein (p.Arg603Gln). This variant is present in population databases (rs200231889, gnomAD 0.04%). This variant has not been reported in the literature in individuals affected with DIAPH3-related conditions. ClinVar contains an entry for this variant (Variation ID: 1187982). An algorithm developed to predict the effect of missense changes on protein structure and function (PolyPhen-2) suggests that this variant is likely to be tolerated. In summary, the available evidence is currently insufficient to determine the role of this variant in disease. Therefore, it has been classified as a Variant of Uncertain Significance.

Blueprint Genetics
Classification: Likely benign. Last evaluated: 2024-10-04. Review status: criteria provided, single submitter. Criteria: ACMG Guidelines, 2015. Collection method: clinical testing. Allele origin: germline.

Ambry Genetics
Classification: Uncertain significance. Last evaluated: 2024-04-26. Review status: criteria provided, single submitter. Criteria: Ambry Variant Classification Scheme 2023. Collection method: clinical testing. Allele origin: germline.

GeneDx
Classification: Likely benign. Last evaluated: 2020-08-05. Review status: criteria provided, single submitter. Criteria: GeneDx Variant Classification Process June 2021. Collection method: clinical testing. Allele origin: germline. Affected: yes.